The following is an entry in ClinVar:

ClinVar aggregate classification (germline): Uncertain significance (1 of 4 stars; one submission).

Submission:

Labcorp Genetics (formerly Invitae), Labcorp
Classification: Uncertain significance. Last evaluated: 2022-08-19. Review status: criteria provided, single submitter. Criteria: Invitae Variant Classification Sherloc (09022015). Collection method: clinical testing. Allele origin: germline.
Comment: This sequence change replaces glutamine, which is neutral and polar, with histidine, which is basic and polar, at codon 151 of the TOE1 protein (p.Gln151His). This variant is not present in population databases (gnomAD no frequency). This variant has not been reported in the literature in individuals affected with TOE1-related conditions. Algorithms developed to predict the effect of missense changes on protein structure and function are either unavailable or do not agree on the potential impact of this missense change (SIFT: "Deleterious"; PolyPhen-2: "Probably Damaging"; Align-GVGD: "Class C0"). In summary, the available evidence is currently insufficient to determine the role of this variant in disease. Therefore, it has been classified as a Variant of Uncertain Significance.

NM_025077.4(TOE1):c.453G>T (p.Gln151His)

Gene: TOE1 (target of EGR1, exonuclease; plus strand). Cytogenetic location: 1p34.1.
Variant type: single nucleotide variant.
Coding change: c.453G>T on transcript NM_025077.4 (MANE Select); coding-DNA position 453, G replaced by T.
Protein change: p.Gln151His; replaces glutamine 151 with histidine.
Molecular consequence: missense variant.
Genome position (GRCh38, 1-based): chr1:45,342,068, G>T. VCF-style: chr1-45342068-G-T. GRCh37 (hg19) VCF-style: chr1-45807740-G-T.
Other names: short protein forms Q151H.
Identifiers: ClinVar variation 1716951 (VCV001716951.3), dbSNP rs758384429, ClinGen allele CA340139234.